The following is an entry in ClinVar:

ClinVar aggregate classification (germline): Uncertain significance. Review status: criteria provided, multiple submitters, no conflicts (2 of 4 stars). 2 submissions from 2 submitters: Uncertain significance (2). Last evaluated 2023-12-03.

Conditions:
KBG syndrome (KBGS). Also called: ANKRD11-Related KBG Syndrome. Identifiers: Orphanet 2332, MedGen C0220687, MONDO:0007846, OMIM 148050.
Inborn genetic diseases. Identifiers: MedGen C0950123, MeSH D030342.

Allele frequency attached by ClinVar (database versions not stated): gnomAD 0.00001; TOPMed 0.00001.
gnomAD v4.1: 2 of 1,613,708 alleles (0.00012%); highest among the groups gnomAD compares: South Asian, 0.0011%; no homozygotes.

Submissions (2):

Labcorp Genetics (formerly Invitae), Labcorp
Classification: Uncertain significance for KBG syndrome. Last evaluated: 2023-12-03. Review status: criteria provided, single submitter. Criteria: Invitae Variant Classification Sherloc (09022015). Collection method: clinical testing. Allele origin: germline.
Comment: This sequence change replaces proline, which is neutral and non-polar, with leucine, which is neutral and non-polar, at codon 610 of the ANKRD11 protein (p.Pro610Leu). This variant is not present in population databases (gnomAD no frequency). This variant has not been reported in the literature in individuals affected with ANKRD11-related conditions. ClinVar contains an entry for this variant (Variation ID: 1780902). Advanced modeling of protein sequence and biophysical properties (such as structural, functional, and spatial information, amino acid conservation, physicochemical variation, residue mobility, and thermodynamic stability) performed at Invitae indicates that this missense variant is not expected to disrupt ANKRD11 protein function with a negative predictive value of 95%. In summary, the available evidence is currently insufficient to determine the role of this variant in disease. Therefore, it has been classified as a Variant of Uncertain Significance.

Ambry Genetics
Classification: Uncertain significance for Inborn genetic diseases. Last evaluated: 2018-09-08. Review status: criteria provided, single submitter. Criteria: Ambry Variant Classification Scheme 2023. Collection method: clinical testing. Allele origin: germline.
Comment: The p.P610L variant (also known as c.1829C>T), located in coding exon 7 of the ANKRD11 gene, results from a C to T substitution at nucleotide position 1829. The proline at codon 610 is replaced by leucine, an amino acid with similar properties. This amino acid position is not well conserved in available vertebrate species. In addition, this alteration is predicted to be tolerated by in silico analysis. Since supporting evidence is limited at this time, the clinical significance of this alteration remains unclear.

NM_013275.6(ANKRD11):c.1829C>T (p.Pro610Leu)

Gene: ANKRD11 (ankyrin repeat domain 11; minus strand). Cytogenetic location: 16q24.3.
Variant type: single nucleotide variant.
Coding change: c.1829C>T on transcript NM_013275.6 (MANE Select); coding-DNA position 1829, C replaced by T.
Protein change: p.Pro610Leu; replaces proline 610 with leucine.
Molecular consequence: missense variant.
Genome position (GRCh38, 1-based): chr16:89,284,713, G>A on the plus strand (C>T on the coding strand, the complement: ANKRD11 is on the minus strand). VCF-style: chr16-89284713-G-A. GRCh37 (hg19) VCF-style: chr16-89351121-G-A.
Other names: c.1829C>T, p.Pro610Leu (NM_001256182.2, NM_001256183.2); short protein forms P610L.
Identifiers: ClinVar variation 1780902 (VCV001780902.5), dbSNP rs1008939365, ClinGen allele CA286519973.